The following is an entry in ClinVar:

ClinVar aggregate classification (germline): Uncertain significance. Review status: criteria provided, multiple submitters, no conflicts (2 of 4 stars). 4 submissions from 4 submitters: Uncertain significance (4). Last evaluated 2026-06-24.

Conditions:
Inborn genetic diseases. Identifiers: MedGen C0950123, MeSH D030342.
Malignant hyperthermia, susceptibility to, 1 (MHS1). Also called: RYR1-Related Malignant Hyperthermia Susceptibility; Anesthesia related hyperthermia; Malignant hyperpyrexia; Fulminating hyperpyrexia; Pharmacogenic myopathy; Malignant hyperthermia suceptibility 1. Identifiers: Orphanet 423, MedGen C2930980, MONDO:0007783, OMIM 145600.

Allele frequency attached by ClinVar (database versions not stated): gnomAD 0.00001; ExAC 0.00002; TOPMed 0.00003; ESP Exome Variant Server 0.00008.
gnomAD v4.1: 12 of 1,613,770 alleles (0.00074%); highest among the groups gnomAD compares: Admixed American, 0.0067%; no homozygotes.

Submissions (4):

GeneDx
Classification: Uncertain significance. Last evaluated: 2026-06-24. Review status: criteria provided, single submitter. Criteria: GeneDx Variant Classification Process June 2021. Collection method: clinical testing. Allele origin: germline.
Comment: Not observed at significant frequency in large population cohorts (gnomAD); In silico analysis supports that this missense variant has a deleterious effect on protein structure/function; Has not been previously published as pathogenic or benign to our knowledge

Ambry Genetics
Classification: Uncertain significance for Inborn genetic diseases. Last evaluated: 2024-02-06. Review status: criteria provided, single submitter. Criteria: Ambry Variant Classification Scheme 2023. Collection method: clinical testing. Allele origin: germline.

Color Diagnostics, LLC DBA Color Health
Classification: Uncertain significance for Malignant hyperthermia, susceptibility to, 1. Last evaluated: 2023-11-08. Review status: criteria provided, single submitter. Criteria: ACMG Guidelines, 2015. Collection method: clinical testing. Allele origin: germline.
Comment: This missense variant replaces proline with leucine at codon 732 of the RYR1 protein. Computational prediction suggests that this variant may not impact protein structure and function. To our knowledge, functional studies have not been reported for this variant. This variant has not been reported in individuals affected with RYR1-related disorders in the literature. This variant has been identified in 5/251198 chromosomes in the general population by the Genome Aggregation Database (gnomAD). The available evidence is insufficient to determine the role of this variant in disease conclusively. Therefore, this variant is classified as a Variant of Uncertain Significance.

Revvity Omics, Revvity
Classification: Uncertain significance. Last evaluated: 2020-08-14. Review status: criteria provided, single submitter. Criteria: ACMG Guidelines, 2015. Collection method: clinical testing. Allele origin: germline.

NM_000540.3(RYR1):c.2195C>T (p.Pro732Leu)

Gene: RYR1 (ryanodine receptor 1; plus strand). Cytogenetic location: 19q13.2.
Variant type: single nucleotide variant.
Coding change: c.2195C>T on transcript NM_000540.3 (MANE Select); coding-DNA position 2195, C replaced by T.
Protein change: p.Pro732Leu; replaces proline 732 with leucine.
Molecular consequence: missense variant.
Genome position (GRCh38, 1-based): chr19:38,459,173, C>T. VCF-style: chr19-38459173-C-T. GRCh37 (hg19) VCF-style: chr19-38949813-C-T.
Other names: c.2195C>T, p.Pro732Leu (NM_001042723.2); short protein forms P732L.
Identifiers: ClinVar variation 2435596 (VCV002435596.7), dbSNP rs141444525, ClinGen allele CA062994.